The following is an entry in ClinVar:

NM_014008.5(CCDC22):c.1388C>G (p.Ala463Gly)

Gene: CCDC22 (CCC complex scaffolding subunit CCDC22; plus strand). Cytogenetic location: Xp11.23.
Variant type: single nucleotide variant.
Coding change: c.1388C>G on transcript NM_014008.5 (MANE Select); coding-DNA position 1388, C replaced by G.
Protein change: p.Ala463Gly; replaces alanine 463 with glycine.
Molecular consequence: missense variant.
Genome position (GRCh38, 1-based): chrX:49,248,691, C>G. VCF-style: chrX-49248691-C-G. GRCh37 (hg19) VCF-style: chrX-49105152-C-G.
Other names: short protein forms A463G.
Identifiers: ClinVar variation 871786 (VCV000871786.44), dbSNP rs782691732, ClinGen allele CA10411502.

ClinVar aggregate classification (germline): Uncertain significance. Review status: criteria provided, multiple submitters, no conflicts (2 of 4 stars). 2 submissions from 2 submitters: Uncertain significance (2). Last evaluated 2019-10-01.

Conditions:
Ritscher-Schinzel syndrome 2. Identifiers: Orphanet 7, MedGen C4225419, MONDO:0010499, OMIM 300963.

Allele frequency attached by ClinVar (database versions not stated): ExAC 0.00001; gnomAD 0.00005; gnomAD exomes 0.00005; TOPMed 0.00005.
gnomAD v4.1: 113 of 1,208,942 alleles (0.0093%); highest among the groups gnomAD compares: Non-Finnish European, 0.011%; no homozygotes.

Submissions (2):

Centre for Mendelian Genomics, University Medical Centre Ljubljana
Classification: Uncertain significance for Ritscher-Schinzel syndrome 2. Last evaluated: 2019-10-01. Review status: criteria provided, single submitter. Criteria: ACMG Guidelines, 2015. Collection method: clinical testing. Allele origin: unknown. Affected: yes.
Comment: This variant was classified as: Uncertain significance. The available evidence on this variant's pathogenicity is insufficient or conflicting. The following ACMG criteria were applied in classifying this variant: PP3. This variant was detected in hemizygous state.

CeGaT Center for Human Genetics Tuebingen
Classification: Uncertain significance. Last evaluated: 2019-09-01. Review status: criteria provided, single submitter. Criteria: CeGaT Center For Human Genetics Tuebingen Variant Classification Criteria Version 2. Collection method: clinical testing. Allele origin: germline. Affected: yes. Observed: 2 variant alleles.